The following is an entry in ClinVar:

ClinVar aggregate classification (germline): Uncertain significance (1 of 4 stars; one submission).

Conditions:
LRP5-related disorder. Also called: LRP5-related condition.

gnomAD v4.1: 1 of 1,613,542 alleles (0.000062%); highest among the groups gnomAD compares: Non-Finnish European, 0.000085%; no homozygotes.

Submission:

PreventionGenetics, part of Exact Sciences
Classification: Uncertain significance for LRP5-related condition. Last evaluated: 2025-03-12. Review status: criteria provided, single submitter. Criteria: ACMG Guidelines, 2015. Collection method: clinical testing. Allele origin: germline.
Comment: The LRP5 c.3237-3C>T variant is predicted to interfere with splicing. This variant is predicted to alter splicing based on available splicing prediction programs (SpliceAI, Jaganathan et al. 2019. PubMed ID: 30661751). However, the use of computer prediction programs is not equivalent to functional evidence. To our knowledge, this variant has not been reported in the literature. This variant is reported in 0.0065% of alleles in individuals of European (Non-Finnish) descent in gnomAD. At this time, the clinical significance of this variant is uncertain due to the absence of conclusive functional and genetic evidence.

NM_002335.4(LRP5):c.3237-3C>T

Gene: LRP5 (LDL receptor related protein 5; plus strand). Cytogenetic location: 11q13.2.
Variant type: single nucleotide variant.
Coding change: c.3237-3C>T on transcript NM_002335.4 (MANE Select); 3 bases into the intron before coding-DNA position 3237, C replaced by T.
Molecular consequence: intron variant.
Genome position (GRCh38, 1-based): chr11:68,425,099, C>T. VCF-style: chr11-68425099-C-T. GRCh37 (hg19) VCF-style: chr11-68192567-C-T.
Other names: c.1494-3C>T (NM_001291902.2).
Identifiers: ClinVar variation 5001320 (VCV005001320.1).